The following is an entry in ClinVar:

NM_021620.4(PRDM13):c.1648G>A (p.Val550Ile)

Gene: PRDM13 (PR/SET domain 13; plus strand). Cytogenetic location: 6q16.2.
Variant type: single nucleotide variant.
Coding change: c.1648G>A on transcript NM_021620.4 (MANE Select); coding-DNA position 1648, G replaced by A.
Protein change: p.Val550Ile; replaces valine 550 with isoleucine.
Molecular consequence: missense variant.
Genome position (GRCh38, 1-based): chr6:99,614,283, G>A. VCF-style: chr6-99614283-G-A. GRCh37 (hg19) VCF-style: chr6-100062159-G-A.
Other names: short protein forms V550I.
Identifiers: ClinVar variation 2818866 (VCV002818866.3), dbSNP rs1180371799, ClinGen allele CA365120594.

ClinVar aggregate classification (germline): Uncertain significance (1 of 4 stars; one submission).

gnomAD v4.1: 2 of 1,606,110 alleles (0.00012%); highest among the groups gnomAD compares: South Asian, 0.0022%; no homozygotes.

Submission:

Labcorp Genetics (formerly Invitae), Labcorp
Classification: Uncertain significance. Last evaluated: 2023-02-15. Review status: criteria provided, single submitter. Criteria: Invitae Variant Classification Sherloc (09022015). Collection method: clinical testing. Allele origin: germline.
Comment: This sequence change replaces valine, which is neutral and non-polar, with isoleucine, which is neutral and non-polar, at codon 550 of the PRDM13 protein (p.Val550Ile). This variant is not present in population databases (gnomAD no frequency). This variant has not been reported in the literature in individuals affected with PRDM13-related conditions. Algorithms developed to predict the effect of missense changes on protein structure and function output the following: SIFT: "Not Available"; PolyPhen-2: "Benign"; Align-GVGD: "Not Available". The isoleucine amino acid residue is found in multiple mammalian species, which suggests that this missense change does not adversely affect protein function. In summary, the available evidence is currently insufficient to determine the role of this variant in disease. Therefore, it has been classified as a Variant of Uncertain Significance.